The following is an entry in ClinVar:

NM_002768.5(CHMP1A):c.202C>T (p.Arg68Cys)

Gene: CHMP1A (charged multivesicular body protein 1A; minus strand). Cytogenetic location: 16q24.3.
Variant type: single nucleotide variant.
Coding change: c.202C>T on transcript NM_002768.5 (MANE Select); coding-DNA position 202, C replaced by T.
Protein change: p.Arg68Cys; replaces arginine 68 with cysteine.
Molecular consequence: missense variant. On other transcripts: non-coding transcript variant (1).
Genome position (GRCh38, 1-based): chr16:89,649,401, G>A on the plus strand (C>T on the coding strand, the complement: CHMP1A is on the minus strand). VCF-style: chr16-89649401-G-A. GRCh37 (hg19) VCF-style: chr16-89715809-G-A.
Other names: c.182C>T, p.Pro61Leu (NM_001083314.4); short protein forms P61L, R68C.
Identifiers: ClinVar variation 2627294 (VCV002627294.1), dbSNP rs774284263, ClinGen allele CA8247114.

ClinVar aggregate classification (germline): Uncertain significance (1 of 4 stars; one submission).

Allele frequency attached by ClinVar (database versions not stated): TOPMed 0.00001; ExAC 0.00002; gnomAD 0.00002; gnomAD exomes 0.00002.

Submission:

Women's Health and Genetics/Laboratory Corporation of America, LabCorp
Classification: Uncertain significance. Last evaluated: 2023-09-21. Review status: criteria provided, single submitter. Criteria: LabCorp Variant Classification Summary - May 2015. Collection method: clinical testing. Allele origin: germline.
Comment: Variant summary: CHMP1A c.202C>T (p.Arg68Cys) results in a non-conservative amino acid change in the encoded protein sequence. Five of five in-silico tools predict a damaging effect of the variant on protein function. The variant allele was found at a frequency of 1.6e-05 in 248908 control chromosomes (gnomAD). The available data on variant occurrences in the general population are insufficient to allow any conclusion about variant significance. c.202C>T has been reported in the literature in at least one individual with autism spectrum disorder (e.g., Iossifov_2014; same proband also described in Turner_2019, Fu_2022, Zhou_2022), however no second CHMP1A variant was identified in this individual. These reports therefore do not provide unequivocal conclusions about association of the variant with Pontocerebellar Hypoplasia, Type 8. To our knowledge, no experimental evidence demonstrating an impact on protein function has been reported. The following publications have been ascertained in the context of this evaluation (PMID: 25363768, 31785789, 35982160, 35982159). No submitters have reported clinical-significance assessments for this variant to ClinVar after 2014. Based on the evidence outlined above, the variant was classified as uncertain significance.

Literature cited by the submitters: PubMed 25363768; PubMed 31785789; PubMed 35982160; PubMed 35982159.